The following is an entry in ClinVar:

ClinVar aggregate classification (germline): Benign/Likely benign. Review status: criteria provided, multiple submitters, no conflicts (2 of 4 stars). 13 submissions from 13 submitters: Benign (8); Likely benign (3). 2 of the submissions do not count toward it. Last evaluated 2026-02-04.

Conditions:
Hereditary pancreatitis (PCTT). Also called: PRSS1-Related Hereditary Pancreatitis; Hereditary chronic pancreatitis. Identifiers: Orphanet 676, MedGen C0238339, MONDO:0008185, OMIM 167800.

Allele frequency attached by ClinVar (database versions not stated): 1000 Genomes Project 0.39377; 1000 Genomes Project 30x 0.39507; ExAC 0.50407; gnomAD exomes 0.50819 and 0.54720; TOPMed 0.51789; gnomAD 0.52700 and 0.53816.
gnomAD v4.1: 875,518 of 1,609,686 alleles (54%); highest among the groups gnomAD compares: Non-Finnish European, 58%; 244,145 homozygotes.

Submissions (13):

Labcorp Genetics (formerly Invitae), Labcorp
Classification: Benign for Hereditary pancreatitis. Last evaluated: 2026-02-04. Review status: criteria provided, single submitter. Criteria: Invitae Variant Classification Sherloc (09022015). Collection method: clinical testing. Allele origin: germline.

ARUP Laboratories, Molecular Genetics and Genomics, ARUP Laboratories
Classification: Benign for Hereditary pancreatitis. Last evaluated: 2025-07-31. Review status: criteria provided, single submitter. Criteria: ARUP Molecular Germline Variant Investigation Process 2024. Collection method: clinical testing. Allele origin: germline.

Blueprint Genetics
Classification: Likely benign. Last evaluated: 2024-11-27. Review status: criteria provided, single submitter. Criteria: ACMG Guidelines, 2015. Collection method: clinical testing. Allele origin: germline.

KCCC/NGS Laboratory, Kuwait Cancer Control Center
Classification: Benign for Hereditary pancreatitis. Last evaluated: 2023-07-07. Review status: criteria provided, single submitter. Criteria: ACMG Guidelines, 2015. Collection method: clinical testing. Allele origin: germline. Affected: yes.

Mayo Clinic Laboratories, Mayo Clinic
Classification: Benign. Last evaluated: 2022-09-06. Review status: criteria provided, single submitter. Criteria: ACMG Guidelines, 2015. Collection method: clinical testing. Allele origin: germline. Observed: 957 variant alleles.

Genome-Nilou Lab
Classification: Benign for Hereditary pancreatitis. Last evaluated: 2021-10-25. Review status: criteria provided, single submitter. Criteria: ACMG Guidelines, 2015. Collection method: clinical testing. Allele origin: germline. Affected: no.

Women's Health and Genetics/Laboratory Corporation of America, LabCorp
Classification: Benign. Last evaluated: 2021-10-07. Review status: criteria provided, single submitter. Criteria: LabCorp Variant Classification Summary - May 2015. Collection method: clinical testing. Allele origin: germline.

GeneDx
Classification: Likely benign. Last evaluated: 2017-12-15. Review status: criteria provided, single submitter. Criteria: GeneDx Variant Classification (06012015). Collection method: clinical testing. Allele origin: germline. Affected: yes.
Comment: This variant is considered likely benign or benign based on one or more of the following criteria: it is a conservative change, it occurs at a poorly conserved position in the protein, it is predicted to be benign by multiple in silico algorithms, and/or has population frequency not consistent with disease.

Ambry Genetics
Classification: Benign for Hereditary pancreatitis. Last evaluated: 2014-11-26. Review status: criteria provided, single submitter. Criteria: Ambry Variant Classification Scheme 2023. Collection method: clinical testing. Allele origin: germline.

Breakthrough Genomics
Classification: Likely benign. Review status: criteria provided, single submitter. Criteria: ACMG Guidelines, 2015. Collection method: not provided. Allele origin: germline. Inheritance: Autosomal dominant inheritance. Affected: yes.

PreventionGenetics, part of Exact Sciences
Classification: Benign. Review status: criteria provided, single submitter. Criteria: ACMG Guidelines, 2015. Collection method: clinical testing. Allele origin: germline.

Diagnostic Laboratory, Department of Genetics, University Medical Center Groningen
Classification: Benign. Review status: no assertion criteria provided. Collection method: clinical testing. Allele origin: germline. Affected: yes. Study: VKGL Data-share Consensus. Not counted in ClinVar's aggregate classification.

Joint Genome Diagnostic Labs from Nijmegen and Maastricht, Radboudumc and MUMC+
Classification: Benign. Review status: no assertion criteria provided. Collection method: clinical testing. Allele origin: germline. Affected: yes. Study: VKGL Data-share Consensus. Not counted in ClinVar's aggregate classification.

Literature cited by the submitters: PubMed 14526128 (cited by Women's Health and Genetics/Laboratory Corporation of America, LabCorp); PubMed 12011155 (cited by Women's Health and Genetics/Laboratory Corporation of America, LabCorp); PubMed 11842279 (cited by Women's Health and Genetics/Laboratory Corporation of America, LabCorp); PubMed 9633818 (cited by Women's Health and Genetics/Laboratory Corporation of America, LabCorp).

NM_002769.5(PRSS1):c.738T>C (p.Asn246=)

Genes: PRSS1 (serine protease 1; plus strand), TRB (T cell receptor beta locus; plus strand). Cytogenetic location: 7q34.
Variant type: single nucleotide variant.
Coding change: c.738T>C on transcript NM_002769.5 (MANE Select); coding-DNA position 738, T replaced by C.
Protein change: p.Asn246=; no amino-acid change (asparagine 246 retained).
Molecular consequence: synonymous variant.
Genome position (GRCh38, 1-based): chr7:142,753,014, T>C. VCF-style: chr7-142753014-T-C. GRCh37 (hg19) VCF-style: chr7-142460865-T-C.
Other names: p.Asn246=.
Identifiers: ClinVar variation 258803 (VCV000258803.37), dbSNP rs6667, ClinGen allele CA4530153.